The following is an entry in ClinVar:

NM_000632.4(ITGAM):c.844_855del (p.Arg282_Ile285del)

Genes: ITGAM (integrin subunit alpha M; plus strand), LOC126862332 (BRD4-independent group 4 enhancer GRCh37_chr16:31284654-31285853; plus strand). Cytogenetic location: 16p11.2.
Variant type: Deletion.
Coding change: c.844_855del on transcript NM_000632.4 (MANE Select); coding-DNA positions 844 to 855, 12 bases deleted (CGCTACGTCATT).
Protein change: p.Arg282_Ile285del.
Genome position (GRCh38, 1-based): chr16:31,273,504-31,273,515, CGCTACGTCATT deleted; deleting any 12 consecutive bases within chr16:31,273,498-31,273,515 gives the same sequence; the c. name uses the placement nearest the transcript's 3' end. VCF-style (leftmost placement, unchanged base first): chr16-31273497-AGTCATTCGCTAC-A. GRCh37 (hg19) VCF-style: chr16-31284818-AGTCATTCGCTAC-A.
Other names: c.844_855del, p.Arg282_Ile285del (NM_001145808.2).
Identifiers: ClinVar variation 4807207 (VCV004807207.1).
Genomic context (GRCh38, chr16:31,273,497, plus strand): 5'-AGAAAAGTTTGGCGATCCCTTGGGATATGAGGATGTCATCCCTGAGGCAGACAGAGAGGG[AGTCATTCGCTAC>A]GTCATTGGGGTAGGGAATGCAGCTCTCAGGTTGATGCTTCTGTGGAGGGTTTCTATGTGG-3'

ClinVar aggregate classification (germline): Uncertain significance (1 of 4 stars; one submission).

Submission:

Labcorp Genetics (formerly Invitae), Labcorp
Classification: Uncertain significance. Last evaluated: 2025-08-11. Review status: criteria provided, single submitter. Criteria: Invitae Variant Classification Sherloc (09022015). Collection method: clinical testing. Allele origin: germline.
Comment: This variant, c.844_855del, results in the deletion of 4 amino acid(s) of the ITGAM protein (p.Arg282_Ile285del), but otherwise preserves the integrity of the reading frame. This variant is not present in population databases (gnomAD no frequency). This variant has not been reported in the literature in individuals affected with ITGAM-related conditions. Experimental studies and prediction algorithms are not available or were not evaluated, and the functional significance of this variant is currently unknown. Algorithms developed to predict the effect of sequence changes on RNA splicing suggest that this variant may disrupt the consensus splice site. In summary, the available evidence is currently insufficient to determine the role of this variant in disease. Therefore, it has been classified as a Variant of Uncertain Significance.